The following is an entry in ClinVar:

NM_001384474.1(LOXHD1):c.3561G>A (p.Lys1187=)

Gene: LOXHD1 (lipoxygenase homology PLAT domains 1; minus strand). Cytogenetic location: 18q21.1.
Variant type: single nucleotide variant.
Coding change: c.3561G>A on transcript NM_001384474.1 (MANE Select); coding-DNA position 3561, G replaced by A.
Protein change: p.Lys1187=; no amino-acid change (lysine 1187 retained).
Molecular consequence: synonymous variant. On other transcripts: 5 prime UTR variant (1).
Genome position (GRCh38, 1-based): chr18:46,545,375, C>T on the plus strand (G>A on the coding strand, the complement: LOXHD1 is on the minus strand). VCF-style: chr18-46545375-C-T. GRCh37 (hg19) VCF-style: chr18-44125338-C-T.
Other names: c.228G>A, p.Lys76= (NM_001145472.3); c.-61G>A (NM_001308013.2); c.3561G>A, p.Lys1187= (NM_144612.7).
Identifiers: ClinVar variation 227518 (VCV000227518.16), dbSNP rs376334860, ClinGen allele CA8952477.

ClinVar aggregate classification (germline): Likely benign. Review status: criteria provided, multiple submitters, no conflicts (2 of 4 stars). 4 submissions from 4 submitters: Likely benign (3). 1 of the submissions does not count toward it. Last evaluated 2025-12-31.

Conditions:
Autosomal recessive nonsyndromic hearing loss 77. Identifiers: Orphanet 90636, MedGen C2746083, MONDO:0013119, OMIM 613079.

Allele frequency attached by ClinVar (database versions not stated): ExAC 0.00021; gnomAD 0.00023 and 0.00024; gnomAD exomes 0.00026 and 0.00060; TOPMed 0.00026; ESP Exome Variant Server 0.00044.
gnomAD v4.1: 849 of 1,551,940 alleles (0.055%); highest among the groups gnomAD compares: Non-Finnish European, 0.072%; no homozygotes.

Submissions (4):

Labcorp Genetics (formerly Invitae), Labcorp
Classification: Likely benign. Last evaluated: 2025-12-31. Review status: criteria provided, single submitter. Criteria: Invitae Variant Classification Sherloc (09022015). Collection method: clinical testing. Allele origin: germline.

Blueprint Genetics
Classification: Likely benign. Last evaluated: 2024-08-27. Review status: criteria provided, single submitter. Criteria: ACMG Guidelines, 2015. Collection method: clinical testing. Allele origin: germline.

Laboratory for Molecular Medicine, Mass General Brigham Personalized Medicine
Classification: Likely benign. Last evaluated: 2015-04-22. Review status: criteria provided, single submitter. Criteria: LMM Criteria. Collection method: clinical testing. Allele origin: germline. Observed: 1 variant allele.
Comment: p.Lys1187Lys in Exon 23 of LOXHD1: This variant is not expected to have clinical significance because it does not alter an amino acid residue, is not located wi thin the splice consensus sequence, and has been identified in 4/9450 European c hromosomes by the Exome Aggregation Consortium (ExAC .org; dbSNP rs376334860).

Counsyl
Classification: Likely benign for Autosomal recessive nonsyndromic hearing loss 77. Last evaluated: 2018-01-30. Review status: no assertion criteria provided. Collection method: clinical testing. Allele origin: unknown. Not counted in ClinVar's aggregate classification.